The following is an entry in ClinVar:

NM_001384732.1(CPLANE1):c.9386T>C (p.Val3129Ala)

Gene: CPLANE1 (ciliogenesis and planar polarity effector complex subunit 1; minus strand). Cytogenetic location: 5p13.2.
Variant type: single nucleotide variant.
Coding change: c.9386T>C on transcript NM_001384732.1 (MANE Select); coding-DNA position 9386, T replaced by C.
Protein change: p.Val3129Ala; replaces valine 3129 with alanine.
Molecular consequence: missense variant.
Genome position (GRCh38, 1-based): chr5:37,114,974, A>G on the plus strand (T>C on the coding strand, the complement: CPLANE1 is on the minus strand). VCF-style: chr5-37114974-A-G. GRCh37 (hg19) VCF-style: chr5-37115076-A-G.
Other names: c.9224T>C, p.Val3075Ala (NM_023073.4); short protein forms V3075A, V3129A.
Identifiers: ClinVar variation 905166 (VCV000905166.6), dbSNP rs1347117644, ClinGen allele CA359491799.

ClinVar aggregate classification (germline): Uncertain significance. Review status: criteria provided, multiple submitters, no conflicts (2 of 4 stars). 2 submissions from 2 submitters: Uncertain significance (2). Last evaluated 2022-03-10.

Conditions:
Joubert syndrome 17 (JBTS17). Identifiers: Orphanet 475, MedGen C3553264, MONDO:0013824, OMIM 614615.

Allele frequency attached by ClinVar (database versions not stated): gnomAD exomes 0.00001; TOPMed 0.00003; gnomAD 0.00005.
gnomAD v4.1: 20 of 1,606,868 alleles (0.0012%); highest among the groups gnomAD compares: African/African-American, 0.0054%; no homozygotes.

Submissions (2):

Labcorp Genetics (formerly Invitae), Labcorp
Classification: Uncertain significance. Last evaluated: 2022-03-10. Review status: criteria provided, single submitter. Criteria: Invitae Variant Classification Sherloc (09022015). Collection method: clinical testing. Allele origin: germline.
Comment: This sequence change replaces valine, which is neutral and non-polar, with alanine, which is neutral and non-polar, at codon 3075 of the CPLANE1 protein (p.Val3075Ala). This variant is not present in population databases (gnomAD no frequency). This variant has not been reported in the literature in individuals affected with CPLANE1-related conditions. ClinVar contains an entry for this variant (Variation ID: 905166). Advanced modeling of protein sequence and biophysical properties (such as structural, functional, and spatial information, amino acid conservation, physicochemical variation, residue mobility, and thermodynamic stability) performed at Invitae indicates that this missense variant is not expected to disrupt CPLANE1 protein function. In summary, the available evidence is currently insufficient to determine the role of this variant in disease. Therefore, it has been classified as a Variant of Uncertain Significance.

Illumina Laboratory Services, Illumina
Classification: Uncertain significance for Joubert syndrome 17. Last evaluated: 2017-04-27. Review status: criteria provided, single submitter. Criteria: ICSL Variant Classification Criteria 13 December 2019. Collection method: clinical testing. Allele origin: germline.